The following is an entry in ClinVar:

NM_020223.4(FAM20C):c.200C>A (p.Pro67His)

Gene: FAM20C (FAM20C golgi associated secretory pathway kinase; plus strand). Cytogenetic location: 7p22.3.
Variant type: single nucleotide variant.
Coding change: c.200C>A on transcript NM_020223.4 (MANE Select); coding-DNA position 200, C replaced by A.
Protein change: p.Pro67His; replaces proline 67 with histidine.
Molecular consequence: missense variant.
Genome position (GRCh38, 1-based): chr7:193,399, C>A. VCF-style: chr7-193399-C-A. GRCh37 (hg19) VCF-style: chr7-193399-C-A.
Other names: c.200C>A (NM_020223.3, NM_020223.2); short protein forms P67H.
Identifiers: ClinVar variation 290748 (VCV000290748.15), dbSNP rs538469200, ClinGen allele CA4108891.
Genomic context (GRCh38, chr7:193,399, plus strand): 5'-CGTGCGCGCAGCCCGCCGCCGAGGTGGCCGCGCCCGGCTGGGCCCAGGTTCGGGGCCGCC[C>A]CGGGGAGCCCCCGGCCGCCTCCTCCGCCGCCGGCGACGCGGGCTGGCCCAACAAGCACAC-3'
Protein context (NP_064608.2, residues 57-77): APGWAQVRGR[Pro67His]GEPPAASSAA

ClinVar aggregate classification (germline): Benign/Likely benign. Review status: criteria provided, multiple submitters, no conflicts (2 of 4 stars). 6 submissions from 6 submitters: Benign (1); Likely benign (4). 1 of the submissions does not count toward it. Last evaluated 2025-12-20.

Conditions:
FAM20C-related disorder. Also called: FAM20C-related condition.
Inborn genetic diseases. Identifiers: MedGen C0950123, MeSH D030342.

Allele frequency attached by ClinVar (database versions not stated): TOPMed 0.00051; 1000 Genomes Project 0.00120; 1000 Genomes Project 30x 0.00125; ExAC 0.00426.
gnomAD v4.1: 1,243 of 1,397,472 alleles (0.089%); highest among the groups gnomAD compares: South Asian, 0.62%; 6 homozygotes.

Submissions (6):

Labcorp Genetics (formerly Invitae), Labcorp
Classification: Benign. Last evaluated: 2025-12-20. Review status: criteria provided, single submitter. Criteria: Invitae Variant Classification Sherloc (09022015). Collection method: clinical testing. Allele origin: germline.

Blueprint Genetics
Classification: Likely benign. Last evaluated: 2024-11-25. Review status: criteria provided, single submitter. Criteria: ACMG Guidelines, 2015. Collection method: clinical testing. Allele origin: germline.

Ambry Genetics
Classification: Likely benign for Inborn genetic diseases. Last evaluated: 2023-05-23. Review status: criteria provided, single submitter. Criteria: Ambry Variant Classification Scheme 2023. Collection method: clinical testing. Allele origin: germline.

Eurofins Ntd Llc (ga)
Classification: Likely benign. Last evaluated: 2016-09-02. Review status: criteria provided, single submitter. Criteria: EGL Classification Definitions 2015. Collection method: clinical testing. Allele origin: germline. Observed: 1 variant allele, 1 heterozygote.

Breakthrough Genomics
Classification: Likely benign. Review status: criteria provided, single submitter. Criteria: ACMG Guidelines, 2015. Collection method: not provided. Allele origin: germline. Inheritance: Autosomal recessive inheritance. Affected: yes.

PreventionGenetics, part of Exact Sciences
Classification: Likely benign for FAM20C-related condition. Last evaluated: 2019-05-20. Review status: no assertion criteria provided. Collection method: clinical testing. Allele origin: germline. Not counted in ClinVar's aggregate classification.
Comment: This variant is classified as likely benign based on ACMG/AMP sequence variant interpretation guidelines (Richards et al. 2015 PMID: 25741868, with internal and published modifications).